The following is an entry in ClinVar:

ClinVar aggregate classification (germline): Uncertain significance (1 of 4 stars; one submission).

Submission:

Labcorp Genetics (formerly Invitae), Labcorp
Classification: Uncertain significance. Last evaluated: 2022-05-27. Review status: criteria provided, single submitter. Criteria: Invitae Variant Classification Sherloc (09022015). Collection method: clinical testing. Allele origin: germline.
Comment: In summary, the available evidence is currently insufficient to determine the role of this variant in disease. Therefore, it has been classified as a Variant of Uncertain Significance. Algorithms developed to predict the effect of missense changes on protein structure and function (SIFT, PolyPhen-2, Align-GVGD) all suggest that this variant is likely to be disruptive. This variant has not been reported in the literature in individuals affected with ABCB4-related conditions. This variant is not present in population databases (gnomAD no frequency). This sequence change replaces isoleucine, which is neutral and non-polar, with serine, which is neutral and polar, at codon 1227 of the ABCB4 protein (p.Ile1227Ser).

NM_000443.4(ABCB4):c.3680T>G (p.Ile1227Ser)

Gene: ABCB4 (ATP binding cassette subfamily B member 4; minus strand). Cytogenetic location: 7q21.12.
Variant type: single nucleotide variant.
Coding change: c.3680T>G on transcript NM_000443.4 (MANE Select); coding-DNA position 3680, T replaced by G.
Protein change: p.Ile1227Ser; replaces isoleucine 1227 with serine.
Molecular consequence: missense variant.
Genome position (GRCh38, 1-based): chr7:87,402,256, A>C on the plus strand (T>G on the coding strand, the complement: ABCB4 is on the minus strand). VCF-style: chr7-87402256-A-C. GRCh37 (hg19) VCF-style: chr7-87031572-A-C.
Other names: c.3701T>G, p.Ile1234Ser (NM_018849.3); c.3539T>G, p.Ile1180Ser (NM_018850.3); short protein forms I1180S, I1234S, I1227S.
Identifiers: ClinVar variation 1999685 (VCV001999685.4), dbSNP rs768448686, ClinGen allele CA368056979.